The following is an entry in ClinVar:

ClinVar aggregate classification (germline): Uncertain significance (1 of 4 stars; one submission).

Conditions:
MAP1B-related disorder. Also called: MAP1B-related condition.

gnomAD v4.1: 3 of 1,614,070 alleles (0.00019%); highest among the groups gnomAD compares: African/African-American, 0.004%; no homozygotes.

Submission:

PreventionGenetics, part of Exact Sciences
Classification: Uncertain significance for MAP1B-related condition. Last evaluated: 2026-02-07. Review status: criteria provided, single submitter. Criteria: ACMG Guidelines, 2015. Collection method: clinical testing. Allele origin: germline.
Comment: The MAP1B c.3904A>G variant is predicted to result in the amino acid substitution p.Thr1302Ala. To our knowledge, this variant has not been reported in the literature. This variant is reported in 0.011% of alleles in individuals of African descent in gnomAD. At this time, the clinical significance of this variant is uncertain due to the absence of conclusive functional and genetic evidence.

NM_005909.5(MAP1B):c.3904A>G (p.Thr1302Ala)

Gene: MAP1B (microtubule associated protein 1B; plus strand). Cytogenetic location: 5q13.2.
Variant type: single nucleotide variant.
Coding change: c.3904A>G on transcript NM_005909.5 (MANE Select); coding-DNA position 3904, A replaced by G.
Protein change: p.Thr1302Ala; replaces threonine 1302 with alanine.
Molecular consequence: missense variant.
Genome position (GRCh38, 1-based): chr5:72,197,259, A>G. VCF-style: chr5-72197259-A-G. GRCh37 (hg19) VCF-style: chr5-71493086-A-G.
Other names: c.3526A>G, p.Thr1176Ala (NM_001324255.2); short protein forms T1176A, T1302A.
Identifiers: ClinVar variation 4977393 (VCV004977393.1).